The following is an entry in ClinVar:

ClinVar aggregate classification (germline): Uncertain significance. Review status: criteria provided, multiple submitters, no conflicts (2 of 4 stars). 2 submissions from 2 submitters: Uncertain significance (2). Last evaluated 2025-03-06.

Conditions:
Polycystic kidney disease 2 (PKD2). Also called: POLYCYSTIC KIDNEY DISEASE, ADULT, TYPE II; Polycystic Kidney Disease 2, Autosomal Dominant; POLYCYSTIC KIDNEY DISEASE 2 WITH OR WITHOUT POLYCYSTIC LIVER DISEASE. Identifiers: MedGen C2751306, MONDO:0013131, OMIM 613095.
Autosomal dominant polycystic kidney disease. Identifiers: Orphanet 730, MedGen C0085413, MONDO:0004691.

gnomAD v4.1: 11 of 1,598,900 alleles (0.00069%); highest among the groups gnomAD compares: Middle Eastern, 0.017%; no homozygotes.

Submissions (2):

Labcorp Genetics (formerly Invitae), Labcorp
Classification: Uncertain significance for Autosomal dominant polycystic kidney disease. Last evaluated: 2025-03-06. Review status: criteria provided, single submitter. Criteria: Invitae Variant Classification Sherloc (09022015). Collection method: clinical testing. Allele origin: germline.
Comment: This sequence change replaces threonine, which is neutral and polar, with isoleucine, which is neutral and non-polar, at codon 529 of the PKD2 protein (p.Thr529Ile). This variant is present in population databases (rs778836129, gnomAD 0.0009%). This variant has not been reported in the literature in individuals affected with PKD2-related conditions. ClinVar contains an entry for this variant (Variation ID: 3591393). Invitae Evidence Modeling of protein sequence and biophysical properties (such as structural, functional, and spatial information, amino acid conservation, physicochemical variation, residue mobility, and thermodynamic stability) indicates that this missense variant is not expected to disrupt PKD2 protein function with a negative predictive value of 80%. In summary, the available evidence is currently insufficient to determine the role of this variant in disease. Therefore, it has been classified as a Variant of Uncertain Significance.

Fulgent Genetics
Classification: Uncertain significance for Polycystic kidney disease 2. Last evaluated: 2024-03-25. Review status: criteria provided, single submitter. Criteria: ACMG Guidelines, 2015. Collection method: clinical testing. Allele origin: germline.

NM_000297.4(PKD2):c.1586C>T (p.Thr529Ile)

Gene: PKD2 (polycystin 2, transient receptor potential cation channel; plus strand). Cytogenetic location: 4q22.1.
Variant type: single nucleotide variant.
Coding change: c.1586C>T on transcript NM_000297.4 (MANE Select); coding-DNA position 1586, C replaced by T.
Protein change: p.Thr529Ile; replaces threonine 529 with isoleucine.
Molecular consequence: missense variant. On other transcripts: non-coding transcript variant (1).
Genome position (GRCh38, 1-based): chr4:88,052,028, C>T. VCF-style: chr4-88052028-C-T. GRCh37 (hg19) VCF-style: chr4-88973180-C-T.
Other names: short protein forms T529I.
Identifiers: ClinVar variation 3591393 (VCV003591393.3).
Genomic context (GRCh38, chr4:88,052,028, plus strand): 5'-AATATAAATATTTTGCTTTTCAGCTGTCAGTGGTAGCTATAGGAATTAACATATACAGAA[C>T]ATCAAATGTGGAGGTGCTACTACAGTTTCTGGAAGATCAAAATACTTTCCCCAACTTTGA-3'
Protein context (NP_000288.1, residues 519-539): VVAIGINIYR[Thr529Ile]SNVEVLLQFL